The following is an entry in ClinVar:

NM_004656.4(BAP1):c.328C>T (p.Pro110Ser)

Gene: BAP1 (BRCA1 associated deubiquitinase 1; minus strand). Cytogenetic location: 3p21.1.
Variant type: single nucleotide variant.
Coding change: c.328C>T on transcript NM_004656.4 (MANE Select); coding-DNA position 328, C replaced by T.
Protein change: p.Pro110Ser; replaces proline 110 with serine.
Molecular consequence: missense variant.
Genome position (GRCh38, 1-based): chr3:52,408,005, G>A on the plus strand (C>T on the coding strand, the complement: BAP1 is on the minus strand). VCF-style: chr3-52408005-G-A. GRCh37 (hg19) VCF-style: chr3-52442021-G-A.
Other names: c.328C>T, p.Pro110Ser (NM_001410772.1); short protein forms P110S.
Identifiers: ClinVar variation 2164130 (VCV002164130.4), dbSNP rs2153228103, ClinGen allele CA353112109.
Genomic context (GRCh38, chr3:52,408,005, plus strand): 5'-CACTGCAGCCTACCTCAGGGCTGAAACCCTTGGTGAAGTCCTTCATGCGACTCAGGGTGG[G>A]TCCCAGGTCCACGCTGCTGCAGTTCAGGAGCACGCTCAGCAAGGCATGAGTTGCACAAGA-3'
Protein context (NP_004647.1, residues 100-120): LLNCSSVDLG[Pro110Ser]TLSRMKDFTK

ClinVar aggregate classification (germline): Uncertain significance (1 of 4 stars; one submission).

Conditions:
BAP1-related tumor predisposition syndrome (TPDS1). Also called: BAP1 tumor predisposition syndrome; TUMOR PREDISPOSITION SYNDROME 1; Tumor susceptibility linked to germline BAP1 mutations; COMMON Syndrome. Identifiers: Orphanet 289539, MedGen C3280492, MONDO:0013692, OMIM 614327.

Submission:

Labcorp Genetics (formerly Invitae), Labcorp
Classification: Uncertain significance for BAP1-related tumor predisposition syndrome. Last evaluated: 2022-01-20. Review status: criteria provided, single submitter. Criteria: Invitae Variant Classification Sherloc (09022015). Collection method: clinical testing. Allele origin: germline.
Comment: In summary, the available evidence is currently insufficient to determine the role of this variant in disease. Therefore, it has been classified as a Variant of Uncertain Significance. Algorithms developed to predict the effect of missense changes on protein structure and function (SIFT, PolyPhen-2, Align-GVGD) all suggest that this variant is likely to be tolerated. This variant has not been reported in the literature in individuals affected with BAP1-related conditions. This variant is not present in population databases (gnomAD no frequency). This sequence change replaces proline, which is neutral and non-polar, with serine, which is neutral and polar, at codon 110 of the BAP1 protein (p.Pro110Ser).